The following is an entry in ClinVar:

ClinVar aggregate classification (germline): Uncertain significance (1 of 4 stars; one submission).

Submission:

GeneDx
Classification: Uncertain significance. Last evaluated: 2017-04-21. Review status: criteria provided, single submitter. Criteria: GeneDx Variant Classification (06012015). Collection method: clinical testing. Allele origin: germline. Affected: yes.
Comment: The c.435dupG variant in the IDH2 gene has not been reported previously as a pathogenic variant nor as a benign variant, to our knowledge. The c.435dupG variant causes a frameshift starting with codon Threonine 146, changes this amino acid to an Aspartic acid residue and creates a premature Stop codon at position 126 of the new reading frame, denoted p.Thr146AspfsX126. This variant is predicted to cause loss of normal protein function either through protein truncation or nonsense-mediated mRNA decay. The c.435dupG variant is not observed in large population cohorts (Lek et al., 2016; 1000 Genomes Consortium et al., 2015; Exome Variant Server). We interpret c.435dupG as a variant of uncertain significance.

NM_002168.4(IDH2):c.435dup (p.Thr146fs)

Gene: IDH2 (isocitrate dehydrogenase (NADP(+)) 2; minus strand). Cytogenetic location: 15q26.1.
Variant type: Duplication.
Coding change: c.435dup on transcript NM_002168.4 (MANE Select); coding-DNA position 435, one base duplicated (G; older notation c.435dupG).
Protein change: p.Thr146fs; shifts the reading frame from threonine 146.
Molecular consequence: frameshift variant.
Genome position (GRCh38, 1-based): chr15:90,088,686, C duplicated on the plus strand (G on the coding strand, the reverse complement: IDH2 is on the minus strand); the first of 7 consecutive C bases (chr15:90,088,686-90,088,692); duplicating any one gives the same sequence. VCF-style (leftmost placement, unchanged base first): chr15-90088685-T-TC. GRCh37 (hg19) VCF-style: chr15-90631917-T-TC.
Other names: c.279dup, p.Thr94fs (NM_001289910.1); c.45dup, p.Thr16fs (NM_001290114.2); short protein forms T94fs, T146fs, T16fs.
Identifiers: ClinVar variation 430078 (VCV000430078.2), dbSNP rs747216375, ClinGen allele CA7733181.